The following is an entry in ClinVar:

ClinVar aggregate classification (germline): Uncertain significance. Review status: criteria provided, multiple submitters, no conflicts (2 of 4 stars). 3 submissions from 3 submitters: Uncertain significance (3). Last evaluated 2026-07-14.

Conditions:
BBS2-related ciliopathy. Identifiers: MedGen CN378634, MONDO:1040048.
BBS2-related disorder. Also called: BBS2-related disorders; BBS2-related condition. Identifiers: MedGen CN239228.

Submissions (3):

PreventionGenetics, part of Exact Sciences
Classification: Uncertain significance for BBS2-related condition. Last evaluated: 2026-07-14. Review status: criteria provided, single submitter. Criteria: ACMG Guidelines, 2015. Collection method: clinical testing. Allele origin: germline.
Comment: The BBS2 c.47C>T variant is predicted to result in the amino acid substitution p.Pro16Leu. This variant has been reported in an individual from a large retinitis pigmentosa cohort study (Table S2, Gao et al. 2019. PubMed ID: 31054281). This variant has not been reported in a large population database (gnomAD), indicating this variant is rare. At this time, the clinical significance of this variant is uncertain due to the absence of conclusive functional and genetic evidence.

Myriad Genetics, Inc.
Classification: Uncertain significance for BBS2-related ciliopathy. Last evaluated: 2025-12-18. Review status: criteria provided, single submitter. Criteria: Myriad Autosomal Dominant, Autosomal Recessive and X-Linked Classification Criteria (2023). Collection method: clinical testing. Allele origin: unknown.
Comment: NM_031885.3(BBS2):c.47C>T(P16L) is a missense variant classified as a variant of uncertain significance in the context of Bardet-Biedl syndrome, BBS2-related. P16L has not been observed in cases with relevant disease. Relevant functional assessments of this variant are not available in the literature. P16L has not been observed in referenced population frequency databases. In summary, there is insufficient evidence to classify NM_031885.3(BBS2):c.47C>T(P16L) as pathogenic or benign. Please note: this variant was assessed in the context of healthy population screening.

Blueprint Genetics
Classification: Uncertain significance. Last evaluated: 2020-01-30. Review status: criteria provided, single submitter. Criteria: ACMG Guidelines, 2015. Collection method: clinical testing. Allele origin: germline.

NM_031885.5(BBS2):c.47C>T (p.Pro16Leu)

Gene: BBS2 (Bardet-Biedl syndrome 2; minus strand). Cytogenetic location: 16q13.
Variant type: single nucleotide variant.
Coding change: c.47C>T on transcript NM_031885.5 (MANE Select); coding-DNA position 47, C replaced by T.
Protein change: p.Pro16Leu; replaces proline 16 with leucine.
Molecular consequence: missense variant. On other transcripts: non-coding transcript variant (5).
Genome position (GRCh38, 1-based): chr16:56,519,816, G>A on the plus strand (C>T on the coding strand, the complement: BBS2 is on the minus strand). VCF-style: chr16-56519816-G-A. GRCh37 (hg19) VCF-style: chr16-56553728-G-A.
Other names: c.47C>T, p.Pro16Leu (NM_001377456.1); c.47C>T (NM_031885.3); short protein forms P16L.
Identifiers: ClinVar variation 4930079 (VCV004930079.2).